The following is an entry in ClinVar:

NM_006648.4(WNK2):c.1750C>G (p.Pro584Ala)

Gene: WNK2 (WNK lysine deficient protein kinase 2; plus strand). Cytogenetic location: 9q22.31.
Variant type: single nucleotide variant.
Coding change: c.1750C>G on transcript NM_006648.4 (MANE Select); coding-DNA position 1750, C replaced by G.
Protein change: p.Pro584Ala; replaces proline 584 with alanine.
Molecular consequence: missense variant.
Genome position (GRCh38, 1-based): chr9:93,247,750, C>G. VCF-style: chr9-93247750-C-G. GRCh37 (hg19) VCF-style: chr9-96010032-C-G.
Other names: c.1750C>G, p.Pro584Ala (NM_001282394.3); short protein forms P584A.
Identifiers: ClinVar variation 4866607 (VCV004866607.1).

ClinVar aggregate classification (germline): Uncertain significance (1 of 4 stars; one submission).

Submission:

Ambry Genetics
Classification: Uncertain significance. Last evaluated: 2026-04-20. Review status: criteria provided, single submitter. Criteria: Ambry Variant Classification Scheme 2023. Collection method: clinical testing. Allele origin: germline.
Comment: The p.P584A variant (also known as c.1750C>G), located in coding exon 7 of the WNK2 gene, results from a C to G substitution at nucleotide position 1750. The proline at codon 584 is replaced by alanine, an amino acid with highly similar properties. This amino acid position is conserved. In addition, this alteration is predicted to be tolerated by in silico analysis. Based on the available evidence, the clinical significance of this variant remains unclear.